The following is an entry in ClinVar:

NM_052947.4(ALPK2):c.2602G>A (p.Val868Met)

Gene: ALPK2 (alpha kinase 2; minus strand). Cytogenetic location: 18q21.31.
Variant type: single nucleotide variant.
Coding change: c.2602G>A on transcript NM_052947.4 (MANE Select); coding-DNA position 2602, G replaced by A.
Protein change: p.Val868Met; replaces valine 868 with methionine.
Molecular consequence: missense variant.
Genome position (GRCh38, 1-based): chr18:58,537,585, C>T on the plus strand (G>A on the coding strand, the complement: ALPK2 is on the minus strand). VCF-style: chr18-58537585-C-T. GRCh37 (hg19) VCF-style: chr18-56204817-C-T.
Other names: short protein forms V868M.
Identifiers: ClinVar variation 2624499 (VCV002624499.2), dbSNP rs2518877460, ClinGen allele CA402570177.

ClinVar aggregate classification (germline): Uncertain significance (1 of 4 stars; one submission).

Submission:

Ambry Genetics
Classification: Uncertain significance. Last evaluated: 2023-06-24. Review status: criteria provided, single submitter. Criteria: Ambry Variant Classification Scheme 2023. Collection method: clinical testing. Allele origin: germline.
Comment: The p.V868M variant (also known as c.2602G>A), located in coding exon 4 of the ALPK2 gene, results from a G to A substitution at nucleotide position 2602. The valine at codon 868 is replaced by methionine, an amino acid with highly similar properties. This amino acid position is conserved. In addition, this alteration is predicted to be tolerated by in silico analysis. Since supporting evidence is limited at this time, the clinical significance of this alteration remains unclear.